The following is an entry in ClinVar:

NM_006180.6(NTRK2):c.1643A>T (p.His548Leu)

Gene: NTRK2 (neurotrophic receptor tyrosine kinase 2; plus strand). Cytogenetic location: 9q21.33.
Variant type: single nucleotide variant.
Coding change: c.1643A>T on transcript NM_006180.6 (MANE Select); coding-DNA position 1643, A replaced by T.
Protein change: p.His548Leu; replaces histidine 548 with leucine.
Molecular consequence: missense variant.
Genome position (GRCh38, 1-based): chr9:84,934,171, A>T. VCF-style: chr9-84934171-A-T. GRCh37 (hg19) VCF-style: chr9-87549086-A-T.
Other names: c.1595A>T, p.His532Leu (NM_001018064.3, NM_001369532.1, NM_001369533.1); c.1559A>T, p.His520Leu (NM_001369534.1); c.1127A>T, p.His376Leu (NM_001369535.1); c.1175A>T, p.His392Leu (NM_001369536.1); short protein forms H532L, H548L, H520L, H376L, H392L.
Identifiers: ClinVar variation 4743846 (VCV004743846.1).

ClinVar aggregate classification (germline): Uncertain significance (1 of 4 stars; one submission).

Submission:

Labcorp Genetics (formerly Invitae), Labcorp
Classification: Uncertain significance. Last evaluated: 2026-01-11. Review status: criteria provided, single submitter. Criteria: Invitae Variant Classification Sherloc (09022015). Collection method: clinical testing. Allele origin: germline.
Comment: This sequence change replaces histidine, which is basic and polar, with leucine, which is neutral and non-polar, at codon 548 of the NTRK2 protein (p.His548Leu). This variant is not present in population databases (gnomAD no frequency). This variant has not been reported in the literature in individuals affected with NTRK2-related conditions. Invitae Evidence Modeling of protein sequence and biophysical properties (such as structural, functional, and spatial information, amino acid conservation, physicochemical variation, residue mobility, and thermodynamic stability) indicates that this missense variant is not expected to disrupt NTRK2 protein function with a negative predictive value of 80%. In summary, the available evidence is currently insufficient to determine the role of this variant in disease. Therefore, it has been classified as a Variant of Uncertain Significance.